The following is an entry in ClinVar:

ClinVar aggregate classification (germline): Uncertain significance (1 of 4 stars; one submission).

gnomAD v4.1: 14 of 1,613,536 alleles (0.00087%); highest among the groups gnomAD compares: Non-Finnish European, 0.001%; no homozygotes.

Submission:

Women's Health and Genetics/Laboratory Corporation of America, LabCorp
Classification: Uncertain significance. Last evaluated: 2025-11-05. Review status: criteria provided, single submitter. Criteria: LabCorp Variant Classification Summary - May 2015. Collection method: clinical testing. Allele origin: germline.
Comment: Variant summary: CAMTA1 c.1787C>G (p.Thr596Arg) results in a non-conservative amino acid change in the encoded protein sequence. Algorithms developed to predict the effect of missense changes on protein structure and function are either unavailable or do not agree on the potential impact of this missense change. The variant allele was found at a frequency of 1.6e-05 in 250506 control chromosomes. The available data on variant occurrences in the general population are insufficient to allow any conclusion about variant significance. To our knowledge, no occurrence of c.1787C>G in individuals affected with CAMTA1-related conditions and no experimental evidence demonstrating its impact on protein function have been reported. No submitters have cited clinical-significance assessments for this variant to ClinVar. Based on the evidence outlined above, the variant was classified as uncertain significance.

NM_015215.4(CAMTA1):c.1787C>G (p.Thr596Arg)

Gene: CAMTA1 (calmodulin binding transcription activator 1; plus strand). Cytogenetic location: 1p36.23.
Variant type: single nucleotide variant.
Coding change: c.1787C>G on transcript NM_015215.4 (MANE Select); coding-DNA position 1787, C replaced by G.
Protein change: p.Thr596Arg; replaces threonine 596 with arginine.
Molecular consequence: missense variant.
Genome position (GRCh38, 1-based): chr1:7,664,334, C>G. VCF-style: chr1-7664334-C-G. GRCh37 (hg19) VCF-style: chr1-7724394-C-G.
Other names: c.1697C>G, p.Thr566Arg (NM_001349608.2, NM_001349612.2); c.1787C>G, p.Thr596Arg (NM_001349609.2, NM_001349610.2, NM_001410737.1); c.1715C>G, p.Thr572Arg (NM_001410738.1); short protein forms T566R, T572R, T596R.
Identifiers: ClinVar variation 4537036 (VCV004537036.1).